The following is an entry in ClinVar:

ClinVar aggregate classification (germline): Likely benign. Review status: criteria provided, single submitter (1 of 4 stars). 2 submissions from 2 submitters: Likely benign (1). 1 of the submissions does not count toward it. Last evaluated 2024-06-24.

Conditions:
COL18A1-related disorder. Also called: COL18A1-related disorders; COL18A1-related condition.

Allele frequency attached by ClinVar (database versions not stated): gnomAD 0.00011; TOPMed 0.00013; gnomAD exomes 0.00023.
gnomAD v4.1: 326 of 1,547,858 alleles (0.021%); highest among the groups gnomAD compares: Non-Finnish European, 0.028%; no homozygotes.

Submissions (2):

Blueprint Genetics
Classification: Likely benign. Last evaluated: 2024-06-24. Review status: criteria provided, single submitter. Criteria: ACMG Guidelines, 2015. Collection method: clinical testing. Allele origin: germline.

PreventionGenetics, part of Exact Sciences
Classification: Likely benign for COL18A1-related condition. Last evaluated: 2019-08-13. Review status: no assertion criteria provided. Collection method: clinical testing. Allele origin: germline. Not counted in ClinVar's aggregate classification.
Comment: This variant is classified as likely benign based on ACMG/AMP sequence variant interpretation guidelines (Richards et al. 2015 PMID: 25741868, with internal and published modifications).

NM_001379500.1(COL18A1):c.107-11848A>G

Gene: COL18A1 (collagen type XVIII alpha 1 chain; plus strand). Cytogenetic location: 21q22.3.
Variant type: single nucleotide variant.
Coding change: c.107-11848A>G on transcript NM_001379500.1 (MANE Select); 11848 bases into the intron before coding-DNA position 107, A replaced by G.
Molecular consequence: intron variant. On other transcripts: synonymous variant (1).
Genome position (GRCh38, 1-based): chr21:45,456,394, A>G. VCF-style: chr21-45456394-A-G. GRCh37 (hg19) VCF-style: chr21-46876308-A-G.
Other names: c.864A>G, p.Ala288= (NM_130444.3); c.646+218A>G (NM_030582.4).
Identifiers: ClinVar variation 3035492 (VCV003035492.3), dbSNP rs764239495, ClinGen allele CA321895509.